The following is an entry in ClinVar:

ClinVar aggregate classification (germline): Benign (0 of 4 stars; one submission).

Conditions:
PTPN12-related disorder. Also called: PTPN12-related condition.

Allele frequency attached by ClinVar (database versions not stated): TOPMed 0.00011; gnomAD 0.00038; gnomAD exomes 0.00059; ExAC 0.00167; 1000 Genomes Project 30x 0.00312; 1000 Genomes Project 0.00319.
gnomAD v4.1: 914 of 1,588,876 alleles (0.058%); highest among the groups gnomAD compares: South Asian, 0.97%; 14 homozygotes.

Submission:

PreventionGenetics, part of Exact Sciences
Classification: Benign for PTPN12-related condition. Last evaluated: 2019-05-06. Review status: no assertion criteria provided. Collection method: clinical testing. Allele origin: germline.
Comment: This variant is classified as benign based on ACMG/AMP sequence variant interpretation guidelines (Richards et al. 2015 PMID: 25741868, with internal and published modifications).

NM_002835.4(PTPN12):c.1971A>G (p.Gly657=)

Gene: PTPN12 (protein tyrosine phosphatase non-receptor type 12; plus strand). Cytogenetic location: 7q11.23.
Variant type: single nucleotide variant.
Coding change: c.1971A>G on transcript NM_002835.4 (MANE Select); coding-DNA position 1971, A replaced by G.
Protein change: p.Gly657=; no amino-acid change (glycine 657 retained).
Molecular consequence: synonymous variant.
Genome position (GRCh38, 1-based): chr7:77,627,650, A>G. VCF-style: chr7-77627650-A-G. GRCh37 (hg19) VCF-style: chr7-77256967-A-G.
Other names: c.1614A>G, p.Gly538= (NM_001131008.2); c.1581A>G, p.Gly527= (NM_001131009.2).
Identifiers: ClinVar variation 3041486 (VCV003041486.2), dbSNP rs554595566, ClinGen allele CA4311876.